The following is an entry in ClinVar:

ClinVar aggregate classification (germline): Pathogenic. Review status: reviewed by expert panel (3 of 4 stars). 12 submissions from 12 submitters: Pathogenic (1). 11 of the submissions do not count toward it. Last evaluated 2024-05-07.

Conditions:
GAA-related disorders.
Glycogen storage disease, type II (IOPD). Also called: Pompe Disease; CARDIOMEGALIA GLYCOGENICA DIFFUSA; Glucosidase acid-1,4-alpha deficiency; POMPE DISEASE, INFANTILE-ONSET; GLYCOGEN STORAGE DISEASE II, INFANTILE-ONSET; ACID ALPHA-GLUCOSIDASE DEFICIENCY, INFANTILE-ONSET. Identifiers: Orphanet 365, MedGen C0017921, MONDO:0009290, OMIM 232300.

Allele frequency attached by ClinVar (database versions not stated): gnomAD 0.00001; gnomAD exomes 0.00001; ExAC 0.00002; TOPMed 0.00002.
gnomAD v4.1: 14 of 1,613,790 alleles (0.00087%); highest among the groups gnomAD compares: African/African-American, 0.0053%; no homozygotes.

Submissions 1 to 7 of 12:

ClinGen Lysosomal Storage Disorder Variant Curation Expert Panel
Classification: Pathogenic for Glycogen storage disease, type II. Last evaluated: 2024-05-07. Review status: reviewed by expert panel. Criteria: clingen_lsd_acmg_specifications_v2-1. Collection method: curation. Allele origin: germline. Inheritance: Autosomal recessive inheritance.
Comment: The NM_000152.5:c.1447G>A variant in GAA is a missense variant predicted to cause substitution of glycine by arginine at amino acid 483 (p.Gly483Arg). At least 7 individuals with this variant have been reported to have Pompe disease. Of these individuals, 3 were compound heterozygous for the variant and another variant in GAA that has been classified as pathogenic by the ClinGen Lysosomal Diseases VCEP, with unknown phase, including c.2560C>T (p.Arg854Ter) (ClinVar Variation ID: 4034, SCV001371731.1) (0.5 points, PMID: 30214072, 33073009), c.525delT (ClinVar Variation ID: 4033, SCV001443331.1) (0.5 points, PMID: 33073009), and c.32-13T>G (ClinVar Variation ID: 4027) (0.5 points, PMID: 21972175, 29289479). In addition, 2 individuals were homozygous for the variant (2 x 0.5 points. PMID: 36572041, Revvity Omics Clinical Laboratory data) (PM3_Strong). Two more patients have been described with the variant and another variant, either c.-32-17_-32-10delinsT CCCTGCTGAGCCTCCTACA GGCCTCCCGC (PMID: 25687635) or c.569G>A (p.Arg190His) (PMID: 23000108). The allelic data from these patients will be used in the classification the second variant and is not included here to avoid circular logic. At least 4 individuals have GAA activity <10% normal in lymphocytes/leukocytes/muscle samples/<30% normal in cultured fibroblasts / or were reported to be on enzyme replacement therapy for Pompe disease (PMIDs: 23000108, 36572041, 33073009) (PP4_Moderate). This variant has a minor allele frequency of 0.00010(1/10306) in the African population in gnomAD v2.1.1, which is lower than the ClinGen Lysosomal Diseases VCEP threshold (<0.001) for PM2_Supporting, meeting this criterion (PM2_Supporting). Expression of the variant in COS7 cells resulted in 0% GAA activity in cells and 0% in medium, and evidence of abnormal synthesis and processing on Western blot, indicating that this variant may impact protein function (PMID: 18425781)(PS3_Moderate). The computational predictor REVEL gives a score of 0.822 which is above the thresholds predicting a damaging (>0.7) impact on GAA function and therefore meets this criterion (PS3). There is a ClinVar entry for this variant (Variation ID: 285157). In summary, this variant meets the criteria to be classified as Pathogenic for Pompe disease. GAA-specific ACMG/AMP criteria met, based on the specification of the ClinGen Lysosomal Diseases VCEP: PS3_moderate, PM2_supporting, PM3_strong, PP3, PP4_moderate. (Classification approved by the ClinGen Lysosomal Diseases Variant Curation Expert Panel on May 7, 2024)

Genomenon, Inc
Classification: Pathogenic for Glycogen storage disease, type II. Last evaluated: 2026-07-01. Review status: criteria provided, single submitter. Criteria: Genomenon Sequence Variant Interpretation Standards - Updated. Collection method: curation. Allele origin: germline. Affected: yes. Not counted in ClinVar's aggregate classification.
Comment: GAA p.Gly483Arg (c.1447G>A) is a missense variant that changes the amino acid at codon 483 from Glycine to Arginine. This variant has been observed in at least one proband with a GAA-related disorder in the compound heterozygous and/or homozygous state (PMID:38958145;34852371;33073009;31904026;31899940;31710733;31606152;31086307;29289479). At least one functional study has demonstrated a substantial alteration in protein function relative to the wild-type (PMID:18425781;23000108). It is absent or not present at a significant frequency in gnomAD. In silico models predict that this variant is possibly or probably damaging. In conclusion, we classify GAA p.Gly483Arg (c.1447G>A) as a pathogenic variant.

Natera, Inc.
Classification: Pathogenic for Glycogen storage disease type II. Last evaluated: 2025-09-15. Review status: criteria provided, single submitter. Criteria: Natera Variant Classification Schema (03/2026). Collection method: clinical testing. Allele origin: germline. Not counted in ClinVar's aggregate classification.
Comment: The c.1447G>A variant in GAA is a missense variant predicted to cause substitution of glycine to arginine at amino acid 483. This variant is rare in the general population with a frequency below the threshold expected for the associated phenotype(s). This variant has been observed in one or more individuals affected with the associated recessive disease, as either homozygous or compound heterozygous with a second variant (PMID: 27008195, 31086307). Functional studies show that this variant may disrupt protein function (PMID: 23000108). Computational prediction algorithms indicate this variant is likely to affect gene or protein function. Given the available evidence, this variant is classified as Pathogenic.

Labcorp Genetics (formerly Invitae), Labcorp
Classification: Pathogenic for Glycogen storage disease, type II. Last evaluated: 2025-02-20. Review status: criteria provided, single submitter. Criteria: Invitae Variant Classification Sherloc (09022015). Collection method: clinical testing. Allele origin: germline. Not counted in ClinVar's aggregate classification.
Comment: This sequence change replaces glycine, which is neutral and non-polar, with arginine, which is basic and polar, at codon 483 of the GAA protein (p.Gly483Arg). This variant is present in population databases (rs770590394, gnomAD 0.007%). This missense change has been observed in individual(s) with Pompe disease (PMID: 18425781, 19588081, 21972175, 23000108, 29122469). It has also been observed to segregate with disease in related individuals. ClinVar contains an entry for this variant (Variation ID: 285157). Invitae Evidence Modeling of protein sequence and biophysical properties (such as structural, functional, and spatial information, amino acid conservation, physicochemical variation, residue mobility, and thermodynamic stability) indicates that this missense variant is expected to disrupt GAA protein function with a positive predictive value of 95%. Experimental studies have shown that this missense change affects GAA function (PMID: 18425781, 23000108). For these reasons, this variant has been classified as Pathogenic.

Revvity Omics, Revvity
Classification: Pathogenic. Last evaluated: 2024-08-05. Review status: criteria provided, single submitter. Criteria: ACMG Guidelines, 2015. Collection method: clinical testing. Allele origin: germline. Not counted in ClinVar's aggregate classification.

Genome-Nilou Lab
Classification: Likely pathogenic for Glycogen storage disease, type II. Last evaluated: 2021-07-22. Review status: criteria provided, single submitter. Criteria: ACMG Guidelines, 2015. Collection method: clinical testing. Allele origin: germline. Affected: no. Not counted in ClinVar's aggregate classification.

Women's Health and Genetics/Laboratory Corporation of America, LabCorp
Classification: Pathogenic for Glycogen storage disease, type II. Last evaluated: 2020-09-11. Review status: criteria provided, single submitter. Criteria: LabCorp Variant Classification Summary - May 2015. Collection method: clinical testing. Allele origin: germline. Not counted in ClinVar's aggregate classification.
Comment: Variant summary: GAA c.1447G>A (p.Gly483Arg) results in a non-conservative amino acid change in the encoded protein sequence. Five of five in-silico tools predict a damaging effect of the variant on protein function. The variant allele was found at a frequency of 8e-06 in 250890 control chromosomes (gnomAD). c.1447G>A has been reported in the literature in the compound heterozygous and homozygous state, in multiple individuals affected with Glycogen Storage Disease, Type 2 (Pompe Disease) (e.g. Kroos_2008, Ebrahim_2012, Wens_2012, Verma_2017, Kishnani_2019). These data indicate that the variant is very likely to be associated with disease. Experimental evidence demonstrated the variant causes a considerable reduction in GAA enzyme activity (e.g. Kroos_2008, Wens_2012). Three ClinVar submitters (evaluation after 2014) cite the variant as pathogenic/likely pathogenic and one ClinVar submitter (evaluation after 2014) cites the variant as uncertain significance. Based on the evidence outlined above, the variant was classified as pathogenic.

NM_000152.5(GAA):c.1447G>A (p.Gly483Arg)

Gene: GAA (alpha glucosidase; plus strand). Cytogenetic location: 17q25.3.
Variant type: single nucleotide variant.
Coding change: c.1447G>A on transcript NM_000152.5 (MANE Select); coding-DNA position 1447, G replaced by A.
Protein change: p.Gly483Arg; replaces glycine 483 with arginine.
Molecular consequence: missense variant.
Genome position (GRCh38, 1-based): chr17:80,110,736, G>A. VCF-style: chr17-80110736-G-A. GRCh37 (hg19) VCF-style: chr17-78084535-G-A.
Other names: NM_000152.5(GAA):c.1447G>A; c.1447G>A, p.Gly483Arg (NM_001079803.3, NM_001079804.3); c.1447G>A (LRG_673t1); short protein forms G483R.
Identifiers: ClinVar variation 285157 (VCV000285157.34), dbSNP rs770590394, ClinGen allele CA8815349.